The following is an entry in ClinVar:

ClinVar aggregate classification (germline): Uncertain significance (1 of 4 stars; one submission).

Conditions:
Primary ciliary dyskinesia 32. Also called: CILIARY DYSKINESIA, PRIMARY, 32, WITHOUT SITUS INVERSUS. Identifiers: Orphanet 244, MedGen C4225311, MONDO:0014657, OMIM 616481.

Submission:

Labcorp Genetics (formerly Invitae), Labcorp
Classification: Uncertain significance for Primary ciliary dyskinesia 32. Last evaluated: 2022-05-13. Review status: criteria provided, single submitter. Criteria: Invitae Variant Classification Sherloc (09022015). Collection method: clinical testing. Allele origin: germline.
Comment: In summary, the available evidence is currently insufficient to determine the role of this variant in disease. Therefore, it has been classified as a Variant of Uncertain Significance. Algorithms developed to predict the effect of sequence changes on RNA splicing suggest that this variant may disrupt the consensus splice site. This variant has not been reported in the literature in individuals affected with RSPH3-related conditions. This variant is not present in population databases (gnomAD no frequency). This sequence change falls in intron 4 of the RSPH3 gene. It does not directly change the encoded amino acid sequence of the RSPH3 protein.

NM_031924.8(RSPH3):c.493-8T>A

Gene: RSPH3 (radial spoke head 3; minus strand). Cytogenetic location: 6q25.3.
Variant type: single nucleotide variant.
Coding change: c.493-8T>A on transcript NM_031924.8 (MANE Select); 8 bases into the intron before coding-DNA position 493, T replaced by A.
Molecular consequence: intron variant.
Genome position (GRCh38, 1-based): chr6:158,982,696, A>T on the plus strand (T>A on the coding strand, the complement: RSPH3 is on the minus strand). VCF-style: chr6-158982696-A-T. GRCh37 (hg19) VCF-style: chr6-159403728-A-T.
Other names: c.631-8T>A (NM_001346418.1).
Identifiers: ClinVar variation 2132046 (VCV002132046.4), dbSNP rs1749263097, ClinGen allele CA2580075296.